The following is an entry in ClinVar:

ClinVar aggregate classification (germline): Uncertain significance (1 of 4 stars; one submission).

Allele frequency attached by ClinVar (database versions not stated): ExAC 0.00005; gnomAD exomes 0.00005; ESP Exome Variant Server 0.00015.
gnomAD v4.1: 124 of 1,613,006 alleles (0.0077%); highest among the groups gnomAD compares: Non-Finnish European, 0.0097%; no homozygotes.

Submission:

Labcorp Genetics (formerly Invitae), Labcorp
Classification: Uncertain significance. Last evaluated: 2023-08-17. Review status: criteria provided, single submitter. Criteria: Invitae Variant Classification Sherloc (09022015). Collection method: clinical testing. Allele origin: germline.
Comment: This sequence change replaces proline, which is neutral and non-polar, with threonine, which is neutral and polar, at codon 2412 of the FAT4 protein (p.Pro2412Thr). This variant is present in population databases (rs369092138, gnomAD 0.008%). This variant has not been reported in the literature in individuals affected with FAT4-related conditions. ClinVar contains an entry for this variant (Variation ID: 1426317). Advanced modeling of protein sequence and biophysical properties (such as structural, functional, and spatial information, amino acid conservation, physicochemical variation, residue mobility, and thermodynamic stability) performed at Invitae indicates that this missense variant is not expected to disrupt FAT4 protein function. In summary, the available evidence is currently insufficient to determine the role of this variant in disease. Therefore, it has been classified as a Variant of Uncertain Significance.

NM_001291303.3(FAT4):c.7240C>A (p.Pro2414Thr)

Gene: FAT4 (FAT atypical cadherin 4; plus strand). Cytogenetic location: 4q28.1.
Variant type: single nucleotide variant.
Coding change: c.7240C>A on transcript NM_001291303.3 (MANE Select); coding-DNA position 7240, C replaced by A.
Protein change: p.Pro2414Thr; replaces proline 2414 with threonine.
Molecular consequence: missense variant.
Genome position (GRCh38, 1-based): chr4:125,446,333, C>A. VCF-style: chr4-125446333-C-A. GRCh37 (hg19) VCF-style: chr4-126367488-C-A.
Other names: c.7240C>A, p.Pro2414Thr (NM_001291285.3); c.7234C>A, p.Pro2412Thr (NM_024582.6); short protein forms P2412T, P2414T.
Identifiers: ClinVar variation 1426317 (VCV001426317.6), dbSNP rs369092138, ClinGen allele CA3073146.
Genomic context (GRCh38, chr4:125,446,333, plus strand): 5'-ATTTCTGCTTTCTGCTTTAGTTATAGGATCATCGGTGGAAACTCTCAGTTCACGATCAAC[C>A]CATCGACAGGACAAATCATCACCAGCGCATTGTTAGATAGGGAAACAAAAGATAATTATA-3'
Protein context (NP_001278232.1, residues 2404-2424): IGGNSQFTIN[Pro2414Thr]STGQIITSAL